The following is an entry in ClinVar:

NM_002839.4(PTPRD):c.3300G>A (p.Thr1100=)

Gene: PTPRD (protein tyrosine phosphatase receptor type D; minus strand). Cytogenetic location: 9p24.1.
Variant type: single nucleotide variant.
Coding change: c.3300G>A on transcript NM_002839.4 (MANE Select); coding-DNA position 3300, G replaced by A.
Protein change: p.Thr1100=; no amino-acid change (threonine 1100 retained).
Molecular consequence: synonymous variant.
Genome position (GRCh38, 1-based): chr9:8,484,232, C>T on the plus strand (G>A on the coding strand, the complement: PTPRD is on the minus strand). VCF-style: chr9-8484232-C-T. GRCh37 (hg19) VCF-style: chr9-8484232-C-T.
Other names: c.2058G>A, p.Thr686= (NM_001040712.2); c.2037G>A, p.Thr679= (NM_001171025.2); c.2049G>A, p.Thr683= (NM_001377946.1); c.2061G>A, p.Thr687= (NM_001377947.1); c.3303G>A, p.Thr1101= (NM_001377958.1); c.3300G>A, p.Thr1100= (NM_001378058.1); c.2067G>A, p.Thr689= (NM_130391.4, NM_130392.3); c.2052G>A, p.Thr684= (NM_130393.3).
Identifiers: ClinVar variation 3045048 (VCV003045048.2), dbSNP rs754865178, ClinGen allele CA4983864.

ClinVar aggregate classification (germline): Likely benign (0 of 4 stars; one submission).

Conditions:
PTPRD-related disorder. Also called: PTPRD-related condition.

Allele frequency attached by ClinVar (database versions not stated): TOPMed 0.00011; ExAC 0.00033.
gnomAD v4.1: 182 of 1,614,094 alleles (0.011%); highest among the groups gnomAD compares: Admixed American, 0.13%; no homozygotes.

Submission:

PreventionGenetics, part of Exact Sciences
Classification: Likely benign for PTPRD-related condition. Last evaluated: 2019-10-31. Review status: no assertion criteria provided. Collection method: clinical testing. Allele origin: germline.
Comment: This variant is classified as likely benign based on ACMG/AMP sequence variant interpretation guidelines (Richards et al. 2015 PMID: 25741868, with internal and published modifications).